The following is an entry in ClinVar:

ClinVar aggregate classification (germline): Likely benign (1 of 4 stars; one submission).

Conditions:
SEMA3D-related disorder. Also called: SEMA3D-related condition.

gnomAD v4.1: 13 of 1,608,026 alleles (0.00081%); highest among the groups gnomAD compares: Admixed American, 0.0033%; no homozygotes.

Submission:

PreventionGenetics, part of Exact Sciences
Classification: Likely benign for SEMA3D-related condition. Last evaluated: 2026-04-07. Review status: criteria provided, single submitter. Criteria: ACMG Guidelines, 2015. Collection method: clinical testing. Allele origin: germline.
Comment: This variant is classified as likely benign based on ACMG/AMP sequence variant interpretation guidelines (Richards et al. 2015 PMID: 25741868, with internal and published modifications).

NM_001384900.1(SEMA3D):c.555C>T (p.Phe185=)

Gene: SEMA3D (semaphorin 3D; minus strand). Cytogenetic location: 7q21.11.
Variant type: single nucleotide variant.
Coding change: c.555C>T on transcript NM_001384900.1 (MANE Select); coding-DNA position 555, C replaced by T.
Protein change: p.Phe185=; no amino-acid change (phenylalanine 185 retained).
Molecular consequence: synonymous variant.
Genome position (GRCh38, 1-based): chr7:85,068,225, G>A on the plus strand (C>T on the coding strand, the complement: SEMA3D is on the minus strand). VCF-style: chr7-85068225-G-A. GRCh37 (hg19) VCF-style: chr7-84697541-G-A.
Other names: c.555C>T, p.Phe185= (NM_001384901.1, NM_001384902.1, NM_001384903.1 and 1 more transcripts).
Identifiers: ClinVar variation 4985204 (VCV004985204.1).